The following is an entry in ClinVar:

NM_001367624.2(ZNF469):c.11669G>A (p.Arg3890Lys)

Gene: ZNF469 (zinc finger protein 469; plus strand). Cytogenetic location: 16q24.2.
Variant type: single nucleotide variant.
Coding change: c.11669G>A on transcript NM_001367624.2 (MANE Select); coding-DNA position 11669, G replaced by A.
Protein change: p.Arg3890Lys; replaces arginine 3890 with lysine.
Molecular consequence: missense variant.
Genome position (GRCh38, 1-based): chr16:88,439,139, G>A. VCF-style: chr16-88439139-G-A. GRCh37 (hg19) VCF-style: chr16-88505547-G-A.
Other names: short protein forms R3890K.
Identifiers: ClinVar variation 4721257 (VCV004721257.1).

ClinVar aggregate classification (germline): Uncertain significance (1 of 4 stars; one submission).

gnomAD v4.1: 1 of 1,550,750 alleles (0.000064%); highest among the groups gnomAD compares: Non-Finnish European, 0.000087%; no homozygotes.

Submission:

Labcorp Genetics (formerly Invitae), Labcorp
Classification: Uncertain significance. Last evaluated: 2025-06-11. Review status: criteria provided, single submitter. Criteria: Invitae Variant Classification Sherloc (09022015). Collection method: clinical testing. Allele origin: germline.
Comment: This sequence change replaces arginine, which is basic and polar, with lysine, which is basic and polar, at codon 3862 of the ZNF469 protein (p.Arg3862Lys). This variant is not present in population databases (gnomAD no frequency). This variant has not been reported in the literature in individuals affected with ZNF469-related conditions. An algorithm developed to predict the effect of missense changes on protein structure and function (PolyPhen-2) suggests that this variant is likely to be tolerated. In summary, the available evidence is currently insufficient to determine the role of this variant in disease. Therefore, it has been classified as a Variant of Uncertain Significance.